The following is an entry in ClinVar:

ClinVar aggregate classification (germline): Likely pathogenic (1 of 4 stars; one submission).

Conditions:
Dilated cardiomyopathy 1G (CMD1G). Identifiers: Orphanet 154, MedGen C1858763, MONDO:0011400, OMIM 604145.

Submission:

CGC Genetics, Unilabs
Classification: Likely pathogenic for Dilated cardiomyopathy 1G. Last evaluated: 2026-04-13. Review status: criteria provided, single submitter. Criteria: ACMG Guidelines, 2015. Collection method: clinical testing. Allele origin: germline. Inheritance: Autosomal dominant inheritance. Affected: yes. Observed: 1 variant allele.
Comment: The NM_133378.4:c.78745A>T p.(Arg26249*) variant, detected in heterozygosity in the TTN gene, has not been previously described in the literature or reported in the ClinVar and gnomAD v4.1.1 databases. This is a frameshift variant located in exon 275 (out of 312) that introduces a premature termination codon, and is predicted to result in a truncated protein and/or reduced expression due to nonsense-mediated mRNA decay. Based on the currently available evidence, this variant is classified as likely pathogenic.

NM_001267550.2(TTN):c.86449A>T (p.Arg28817Ter)

Genes: TTN (titin; minus strand), TTN-AS1 (TTN antisense RNA 1; plus strand). Cytogenetic location: 2q31.2.
Variant type: single nucleotide variant.
Coding change: c.86449A>T on transcript NM_001267550.2 (MANE Select); coding-DNA position 86449, A replaced by T.
Protein change: p.Arg28817Ter; replaces arginine 28817 with a stop codon.
Molecular consequence: nonsense.
Genome position (GRCh38, 1-based): chr2:178,559,683, T>A on the plus strand (A>T on the coding strand, the complement: TTN is on the minus strand). VCF-style: chr2-178559683-T-A. GRCh37 (hg19) VCF-style: chr2-179424410-T-A.
Other names: c.81526A>T, p.Arg27176Ter (NM_001256850.1); c.59254A>T, p.Arg19752Ter (NM_003319.4); c.78745A>T, p.Arg26249Ter (NM_133378.4); c.59629A>T, p.Arg19877Ter (NM_133432.3); c.59830A>T, p.Arg19944Ter (NM_133437.4); short protein forms R19752*, R19877*, R19944*, R26249*, R27176*, R28817*.
Identifiers: ClinVar variation 4851604 (VCV004851604.1).